The following is an entry in ClinVar:

NM_015404.4(WHRN):c.1203+2T>C

Gene: WHRN (whirlin; minus strand). Cytogenetic location: 9q32.
Variant type: single nucleotide variant.
Coding change: c.1203+2T>C on transcript NM_015404.4 (MANE Select); the canonical splice donor site of the intron after coding-DNA position 1203, T replaced by C.
Molecular consequence: splice donor variant.
Genome position (GRCh38, 1-based): chr9:114,424,986, A>G on the plus strand (T>C on the coding strand, the complement: WHRN is on the minus strand). VCF-style: chr9-114424986-A-G. GRCh37 (hg19) VCF-style: chr9-117187266-A-G.
Other names: c.1203+2T>C (NM_001173425.2); c.54+2T>C (NM_001083885.3); c.150+2T>C (NM_001346890.1).
Identifiers: ClinVar variation 2581852 (VCV002581852.2), dbSNP rs1458435036, ClinGen allele CA374609350.
Genomic context (GRCh38, chr9:114,424,986, plus strand): 5'-CCAGACCTCCTCACTCAGGGAGCTGTGAGGAAGCAGAGAATACCCCTTAGAGGATGTCCT[A>G]CCTTGTTTATTCCTTCTGTTGTGAGATCGCCAAGAAACCTGTGGGGAAAGACACACATCT-3'

ClinVar aggregate classification (germline): Likely pathogenic. Review status: criteria provided, multiple submitters, no conflicts (2 of 4 stars). 2 submissions from 2 submitters: Likely pathogenic (2). Last evaluated 2026-01-20.

Allele frequency attached by ClinVar (database versions not stated): gnomAD exomes below 0.00001; TOPMed 0.00001; gnomAD 0.00002.
gnomAD v4.1: 4 of 1,613,950 alleles (0.00025%); highest among the groups gnomAD compares: African/African-American, 0.0053%; no homozygotes.

Submissions (2):

Labcorp Genetics (formerly Invitae), Labcorp
Classification: Likely pathogenic. Last evaluated: 2026-01-20. Review status: criteria provided, single submitter. Criteria: Invitae Variant Classification Sherloc (09022015). Collection method: clinical testing. Allele origin: germline.
Comment: This sequence change affects a donor splice site in intron 5 of the WHRN gene. It is expected to disrupt RNA splicing. Variants that disrupt the donor or acceptor splice site typically lead to a loss of protein function (PMID: 16199547), and loss-of-function variants in WHRN are known to be pathogenic (PMID: 12833159, 15841483, 22147658). The frequency data for this variant in the population databases is considered unreliable, as metrics indicate poor data quality at this position in the gnomAD database. This variant has not been reported in the literature in individuals affected with WHRN-related conditions. ClinVar contains an entry for this variant (Variation ID: 2581852). Algorithms developed to predict the effect of sequence changes on RNA splicing suggest that this variant may disrupt the consensus splice site. In summary, the currently available evidence indicates that the variant is pathogenic, but additional data are needed to prove that conclusively. Therefore, this variant has been classified as Likely Pathogenic.

GeneDx
Classification: Likely pathogenic. Last evaluated: 2023-03-30. Review status: criteria provided, single submitter. Criteria: GeneDx Variant Classification Process June 2021. Collection method: clinical testing. Allele origin: germline. Affected: yes.
Comment: Canonical splice site variant predicted to result in a null allele in a gene for which loss of function is a known mechanism of disease; Not observed at significant frequency in large population cohorts (gnomAD); Has not been previously published as pathogenic or benign in association with a WHRN-related disorder to our knowledge; This variant is associated with the following publications: (PMID: 31964843)

Literature cited by the submitters: PubMed 16199547 (cited by Labcorp Genetics (formerly Invitae), Labcorp); PubMed 12833159 (cited by Labcorp Genetics (formerly Invitae), Labcorp); PubMed 15841483 (cited by Labcorp Genetics (formerly Invitae), Labcorp); PubMed 22147658 (cited by Labcorp Genetics (formerly Invitae), Labcorp).